The following is an entry in ClinVar:

ClinVar aggregate classification (germline): Likely benign (0 of 4 stars; one submission).

Conditions:
DSG2-related disorder. Also called: DSG2-related condition.

Allele frequency attached by ClinVar (database versions not stated): gnomAD 0.00001; gnomAD exomes 0.00001; TOPMed 0.00001.
gnomAD v4.1: 13 of 1,613,004 alleles (0.00081%); highest among the groups gnomAD compares: East Asian, 0.011%; no homozygotes.

Submission:

PreventionGenetics, part of Exact Sciences
Classification: Likely benign for DSG2-related condition. Last evaluated: 2023-04-20. Review status: no assertion criteria provided. Collection method: clinical testing. Allele origin: germline.
Comment: This variant is classified as likely benign based on ACMG/AMP sequence variant interpretation guidelines (Richards et al. 2015 PMID: 25741868, with internal and published modifications).

NM_001943.5(DSG2):c.*9C>T

Genes: DSG2 (desmoglein 2; plus strand), DSG2-AS1 (DSG2 antisense RNA 1; minus strand). Cytogenetic location: 18q12.1.
Variant type: single nucleotide variant.
Coding change: c.*9C>T on transcript NM_001943.5 (MANE Select); 9 bases downstream of the stop codon, C replaced by T.
Molecular consequence: 3 prime UTR variant.
Genome position (GRCh38, 1-based): chr18:31,546,752, C>T. VCF-style: chr18-31546752-C-T. GRCh37 (hg19) VCF-style: chr18-29126715-C-T.
Identifiers: ClinVar variation 3030916 (VCV003030916.2), dbSNP rs1425119878, ClinGen allele CA629149324.